The following is an entry in ClinVar:

ClinVar aggregate classification (germline): Uncertain significance (1 of 4 stars; one submission).

Conditions:
Primary ciliary dyskinesia. Also called: Ciliary dyskinesia. Identifiers: Orphanet 244, MedGen C0008780, MONDO:0016575, HP:0012265.

Allele frequency attached by ClinVar (database versions not stated): gnomAD exomes below 0.00001.
gnomAD v4.1: 1 of 1,531,872 alleles (0.000065%); highest among the groups gnomAD compares: Non-Finnish European, 0.000087%; no homozygotes.

Submission:

Labcorp Genetics (formerly Invitae), Labcorp
Classification: Uncertain significance for Primary ciliary dyskinesia. Last evaluated: 2021-04-17. Review status: criteria provided, single submitter. Criteria: Invitae Variant Classification Sherloc (09022015). Collection method: clinical testing. Allele origin: germline.
Comment: In summary, the available evidence is currently insufficient to determine the role of this variant in disease. Therefore, it has been classified as a Variant of Uncertain Significance. Algorithms developed to predict the effect of missense changes on protein structure and function are either unavailable or do not agree on the potential impact of this missense change (SIFT: "Tolerated"; PolyPhen-2: "Not Available"; Align-GVGD: "Class C0"). This variant has not been reported in the literature in individuals with DNAH8-related conditions. This variant is not present in population databases (ExAC no frequency). This sequence change replaces threonine with proline at codon 259 of the DNAH8 protein (p.Thr259Pro). The threonine residue is weakly conserved and there is a small physicochemical difference between threonine and proline.

NM_001206927.2(DNAH8):c.775A>C (p.Thr259Pro)

Gene: DNAH8 (dynein axonemal heavy chain 8; plus strand). Cytogenetic location: 6p21.2.
Variant type: single nucleotide variant.
Coding change: c.775A>C on transcript NM_001206927.2 (MANE Select); coding-DNA position 775, A replaced by C.
Protein change: p.Thr259Pro; replaces threonine 259 with proline.
Molecular consequence: missense variant.
Genome position (GRCh38, 1-based): chr6:38,737,079, A>C. VCF-style: chr6-38737079-A-C. GRCh37 (hg19) VCF-style: chr6-38704855-A-C.
Other names: c.124A>C, p.Thr42Pro (NM_001371.4); short protein forms T259P, T42P.
Identifiers: ClinVar variation 1479151 (VCV001479151.8), dbSNP rs2127581124, ClinGen allele CA363986439.